The following is an entry in ClinVar:

NM_003491.4(NAA10):c.287G>C (p.Arg96Pro)

Gene: NAA10 (N-alpha-acetyltransferase 10, NatA catalytic subunit; minus strand). Cytogenetic location: Xq28.
Variant type: single nucleotide variant.
Coding change: c.287G>C on transcript NM_003491.4 (MANE Select); coding-DNA position 287, G replaced by C.
Protein change: p.Arg96Pro; replaces arginine 96 with proline.
Molecular consequence: missense variant.
Genome position (GRCh38, 1-based): chrX:153,932,370, C>G on the plus strand (G>C on the coding strand, the complement: NAA10 is on the minus strand). VCF-style: chrX-153932370-C-G. GRCh37 (hg19) VCF-style: chrX-153197823-C-G.
Other names: c.287G>C, p.Arg96Pro (NM_001256119.2); c.269G>C, p.Arg90Pro (NM_001256120.2); short protein forms R90P, R96P.
Identifiers: ClinVar variation 3367806 (VCV003367806.1).

ClinVar aggregate classification (germline): Uncertain significance (1 of 4 stars; one submission).

Submission:

GeneDx
Classification: Uncertain significance. Last evaluated: 2024-01-10. Review status: criteria provided, single submitter. Criteria: GeneDx Variant Classification Process June 2021. Collection method: clinical testing. Allele origin: germline. Affected: yes.
Comment: Not observed at significant frequency in large population cohorts (gnomAD); In silico analysis supports that this missense variant has a deleterious effect on protein structure/function; Has not been previously published as pathogenic or benign to our knowledge